The following is an entry in ClinVar:

ClinVar aggregate classification (germline): Uncertain significance (1 of 4 stars; one submission).

Conditions:
Inborn genetic diseases. Identifiers: MedGen C0950123, MeSH D030342.

Submission:

Ambry Genetics
Classification: Uncertain significance for Inborn genetic diseases. Last evaluated: 2025-06-27. Review status: criteria provided, single submitter. Criteria: Ambry Variant Classification Scheme 2023. Collection method: clinical testing. Allele origin: germline.
Comment: The p.E258A variant (also known as c.773A>C), located in coding exon 3 of the WT1 gene, results from an A to C substitution at nucleotide position 773. The glutamic acid at codon 258 is replaced by alanine, an amino acid with dissimilar properties. This amino acid position is conserved. In addition, the in silico prediction for this alteration is inconclusive. Based on the available evidence, the clinical significance of this variant remains unclear.

NM_024426.6(WT1):c.788A>C (p.Glu263Ala)

Gene: WT1 (WT1 transcription factor; minus strand). Cytogenetic location: 11p13.
Variant type: single nucleotide variant.
Coding change: c.788A>C on transcript NM_024426.6 (MANE Select); coding-DNA position 788, A replaced by C.
Protein change: p.Glu263Ala; replaces glutamic acid 263 with alanine.
Molecular consequence: missense variant. On other transcripts: non-coding transcript variant (2).
Genome position (GRCh38, 1-based): chr11:32,428,055, T>G on the plus strand (A>C on the coding strand, the complement: WT1 is on the minus strand). VCF-style: chr11-32428055-T-G. GRCh37 (hg19) VCF-style: chr11-32449601-T-G.
Other names: c.788A>C, p.Glu263Ala (NM_000378.6, NM_001407044.1, NM_001407045.1 and 4 more transcripts); c.137A>C, p.Glu46Ala (NM_001198551.2, NM_001198552.2); c.665A>C, p.Glu222Ala (NM_001407047.1, NM_001407050.1); c.26A>C, p.Glu9Ala (NM_001407051.1); c.569A>C, p.Glu190Ala (NM_001429031.1, NM_001429032.1, NM_001429033.1 and 1 more transcripts); short protein forms E190A, E46A, E222A, E263A, E9A, E258A.
Identifiers: ClinVar variation 4202217 (VCV004202217.1).